The following is an entry in ClinVar:

ClinVar aggregate classification (germline): Uncertain significance (1 of 4 stars; one submission).

Conditions:
Autosomal dominant childhood-onset proximal spinal muscular atrophy with contractures (SMALED2A). Also called: SPINAL MUSCULAR ATROPHY, LOWER EXTREMITY-PREDOMINANT, 2A, CHILDHOOD ONSET, AUTOSOMAL DOMINANT; Spinal muscular atrophy, lower extremity-predominant, 2A, autosomal dominant. Identifiers: Orphanet 363447, Orphanet 363454, MedGen C4747715, MONDO:0014121, OMIM 615290.

Submission:

Labcorp Genetics (formerly Invitae), Labcorp
Classification: Uncertain significance for Autosomal dominant childhood-onset proximal spinal muscular atrophy with contractures. Last evaluated: 2024-04-15. Review status: criteria provided, single submitter. Criteria: Invitae Variant Classification Sherloc (09022015). Collection method: clinical testing. Allele origin: germline.
Comment: This sequence change replaces glutamic acid, which is acidic and polar, with lysine, which is basic and polar, at codon 120 of the BICD2 protein (p.Glu120Lys). This variant is not present in population databases (gnomAD no frequency). This variant has not been reported in the literature in individuals affected with BICD2-related conditions. Advanced modeling of protein sequence and biophysical properties (such as structural, functional, and spatial information, amino acid conservation, physicochemical variation, residue mobility, and thermodynamic stability) performed at Invitae indicates that this missense variant is not expected to disrupt BICD2 protein function with a negative predictive value of 80%. In summary, the available evidence is currently insufficient to determine the role of this variant in disease. Therefore, it has been classified as a Variant of Uncertain Significance.

NM_001003800.2(BICD2):c.358G>A (p.Glu120Lys)

Gene: BICD2 (BICD cargo adaptor 2; minus strand). Cytogenetic location: 9q22.31.
Variant type: single nucleotide variant.
Coding change: c.358G>A on transcript NM_001003800.2 (MANE Select); coding-DNA position 358, G replaced by A.
Protein change: p.Glu120Lys; replaces glutamic acid 120 with lysine.
Molecular consequence: missense variant.
Genome position (GRCh38, 1-based): chr9:92,729,119, C>T on the plus strand (G>A on the coding strand, the complement: BICD2 is on the minus strand). VCF-style: chr9-92729119-C-T. GRCh37 (hg19) VCF-style: chr9-95491401-C-T.
Other names: c.358G>A, p.Glu120Lys (NM_015250.4); short protein forms E120K.
Identifiers: ClinVar variation 3649922 (VCV003649922.2).